The following is an entry in ClinVar:

ClinVar aggregate classification (germline): Benign (0 of 4 stars; one submission).

Conditions:
SHROOM2-related disorder. Also called: SHROOM2-related condition.

Allele frequency attached by ClinVar (database versions not stated): ExAC 0.00493; gnomAD 0.00758; TOPMed 0.00853; ESP Exome Variant Server 0.00890; 1000 Genomes Project 30x 0.00978; 1000 Genomes Project 0.00980.
gnomAD v4.1: 2,436 of 1,205,750 alleles (0.2%); highest among the groups gnomAD compares: African/African-American, 2.3%; 11 homozygotes.

Submission:

PreventionGenetics, part of Exact Sciences
Classification: Benign for SHROOM2-related condition. Last evaluated: 2019-07-30. Review status: no assertion criteria provided. Collection method: clinical testing. Allele origin: germline.
Comment: This variant is classified as benign based on ACMG/AMP sequence variant interpretation guidelines (Richards et al. 2015 PMID: 25741868, with internal and published modifications).

NM_001649.4(SHROOM2):c.3854G>T (p.Gly1285Val)

Gene: SHROOM2 (shroom family member 2; plus strand). Cytogenetic location: Xp22.2.
Variant type: single nucleotide variant.
Coding change: c.3854G>T on transcript NM_001649.4 (MANE Select); coding-DNA position 3854, G replaced by T.
Protein change: p.Gly1285Val; replaces glycine 1285 with valine.
Molecular consequence: missense variant.
Genome position (GRCh38, 1-based): chrX:9,937,400, G>T. VCF-style: chrX-9937400-G-T. GRCh37 (hg19) VCF-style: chrX-9905440-G-T.
Other names: c.359G>T, p.Gly120Val (NM_001320663.2, NM_001320664.2); short protein forms G120V, G1285V.
Identifiers: ClinVar variation 3056052 (VCV003056052.2), dbSNP rs150369562, ClinGen allele CA10345847.